The following is an entry in ClinVar:

ClinVar aggregate classification (germline): Uncertain significance (1 of 4 stars; one submission).

Allele frequency attached by ClinVar (database versions not stated): gnomAD exomes below 0.00001 and 0.00001; gnomAD 0.00001.
gnomAD v4.1: 7 of 1,604,248 alleles (0.00044%); highest among the groups gnomAD compares: African/African-American, 0.0067%; no homozygotes.

Submission:

Labcorp Genetics (formerly Invitae), Labcorp
Classification: Uncertain significance. Last evaluated: 2023-08-10. Review status: criteria provided, single submitter. Criteria: Invitae Variant Classification Sherloc (09022015). Collection method: clinical testing. Allele origin: germline.
Comment: In summary, the available evidence is currently insufficient to determine the role of this variant in disease. Therefore, it has been classified as a Variant of Uncertain Significance. Algorithms developed to predict the effect of missense changes on protein structure and function output the following: SIFT: "Not Available"; PolyPhen-2: "Benign"; Align-GVGD: "Not Available". The tryptophan amino acid residue is found in multiple mammalian species, which suggests that this missense change does not adversely affect protein function. ClinVar contains an entry for this variant (Variation ID: 860836). This variant has not been reported in the literature in individuals affected with ADAM9-related conditions. This variant is present in population databases (no rsID available, gnomAD 0.01%). This sequence change replaces leucine, which is neutral and non-polar, with tryptophan, which is neutral and slightly polar, at codon 19 of the ADAM9 protein (p.Leu19Trp).

NM_003816.3(ADAM9):c.56T>G (p.Leu19Trp)

Genes: ADAM9 (ADAM metallopeptidase domain 9; plus strand), LOC130000261 (ATAC-STARR-seq lymphoblastoid active region 27275; plus strand). Cytogenetic location: 8p11.22.
Variant type: single nucleotide variant.
Coding change: c.56T>G on transcript NM_003816.3 (MANE Select); coding-DNA position 56, T replaced by G.
Protein change: p.Leu19Trp; replaces leucine 19 with tryptophan.
Molecular consequence: missense variant. On other transcripts: non-coding transcript variant (3).
Genome position (GRCh38, 1-based): chr8:38,997,119, T>G. VCF-style: chr8-38997119-T-G. GRCh37 (hg19) VCF-style: chr8-38854638-T-G.
Other names: short protein forms L19W.
Identifiers: ClinVar variation 860836 (VCV000860836.7), dbSNP rs1474625148, ClinGen allele CA370750863.